The following is an entry in ClinVar:

NM_006904.7(PRKDC):c.9170C>A (p.Ala3057Asp)

Gene: PRKDC (protein kinase, DNA-activated, catalytic subunit; minus strand). Cytogenetic location: 8q11.21.
Variant type: single nucleotide variant.
Coding change: c.9170C>A on transcript NM_006904.7 (MANE Select); coding-DNA position 9170, C replaced by A.
Protein change: p.Ala3057Asp; replaces alanine 3057 with aspartic acid.
Molecular consequence: missense variant.
Genome position (GRCh38, 1-based): chr8:47,820,885, G>T on the plus strand (C>A on the coding strand, the complement: PRKDC is on the minus strand). VCF-style: chr8-47820885-G-T. GRCh37 (hg19) VCF-style: chr8-48733446-G-T.
Other names: c.9170C>A, p.Ala3057Asp (NM_001081640.2); short protein forms A3057D.
Identifiers: ClinVar variation 967823 (VCV000967823.8), dbSNP rs374237444, ClinGen allele CA4739651.

ClinVar aggregate classification (germline): Conflicting classifications of pathogenicity. Review status: criteria provided, conflicting classifications (1 of 4 stars). 5 submissions from 5 submitters: Uncertain significance (2); Likely benign (2). 1 of the submissions does not count toward it. Last evaluated 2026-01-28.

Conditions:
PRKDC-related disorder. Also called: PRKDC-related condition.
Severe combined immunodeficiency due to DNA-PKcs deficiency. Also called: IMMUNODEFICIENCY 26 WITH NEUROLOGIC ABNORMALITIES; Immunodeficiency 26 with or without neurologic abnormalities. Identifiers: Orphanet 317425, MedGen C4014833, MONDO:0014423, OMIM 615966.

Allele frequency attached by ClinVar (database versions not stated): ExAC 0.00006; gnomAD exomes 0.00006; ESP Exome Variant Server 0.00016; gnomAD 0.00022 and 0.00023; TOPMed 0.00026; 1000 Genomes Project 30x 0.00078; 1000 Genomes Project 0.00080.
gnomAD v4.1: 70 of 1,610,294 alleles (0.0043%); highest among the groups gnomAD compares: African/African-American, 0.063%; no homozygotes.

Submissions (5):

GeneDx
Classification: Uncertain significance. Last evaluated: 2026-01-28. Review status: criteria provided, single submitter. Criteria: GeneDx Variant Classification Process June 2021. Collection method: clinical testing. Allele origin: germline.
Comment: In silico analysis suggests that this missense variant does not alter protein structure/function; Has not been previously published as pathogenic or benign to our knowledge

Women's Health and Genetics/Laboratory Corporation of America, LabCorp
Classification: Likely benign. Last evaluated: 2024-07-30. Review status: criteria provided, single submitter. Criteria: LabCorp Variant Classification Summary - May 2015. Collection method: clinical testing. Allele origin: germline.
Comment: Variant summary: PRKDC c.9167C>A/p.Ala3056Asp (also known as c.9170C>A/p.Ala3057Asp in RefSeq) results in a non-conservative amino acid change located in the PIK-related kinase (IPR003151) of the encoded protein sequence. Four of five in-silico tools predict a benign effect of the variant on protein function. The variant allele was found at a frequency of 5.6e-05 in 249144 control chromosomes, predominantly at a frequency of 0.00071 within the African or African-American subpopulation in the gnomAD database. The observed variant frequency within African or African-American control individuals in the gnomAD database is approximately 2 fold of the estimated maximal expected allele frequency for a pathogenic variant in PRKDC causing Severe Combined Immunodeficiency phenotype (0.00035). To our knowledge, no occurrence of c.9167C>A in individuals affected with Severe Combined Immunodeficiency and no experimental evidence demonstrating its impact on protein function have been reported. ClinVar contains an entry for this variant (Variation ID: 967823). Based on the evidence outlined above, the variant was classified as likely benign.

Blueprint Genetics
Classification: Likely benign. Last evaluated: 2024-07-10. Review status: criteria provided, single submitter. Criteria: ACMG Guidelines, 2015. Collection method: clinical testing. Allele origin: germline.

Labcorp Genetics (formerly Invitae), Labcorp
Classification: Uncertain significance for Severe combined immunodeficiency due to DNA-PKcs deficiency. Last evaluated: 2022-07-01. Review status: criteria provided, single submitter. Criteria: Invitae Variant Classification Sherloc (09022015). Collection method: clinical testing. Allele origin: germline.
Comment: This sequence change replaces alanine, which is neutral and non-polar, with aspartic acid, which is acidic and polar, at codon 3057 of the PRKDC protein (p.Ala3057Asp). This variant is present in population databases (rs374237444, gnomAD 0.06%). This variant has not been reported in the literature in individuals affected with PRKDC-related conditions. ClinVar contains an entry for this variant (Variation ID: 967823). Experimental studies and prediction algorithms are not available or were not evaluated, and the functional significance of this variant is currently unknown. In summary, the available evidence is currently insufficient to determine the role of this variant in disease. Therefore, it has been classified as a Variant of Uncertain Significance.

PreventionGenetics, part of Exact Sciences
Classification: Uncertain significance for PRKDC-related condition. Last evaluated: 2024-02-06. Review status: no assertion criteria provided. Collection method: clinical testing. Allele origin: germline. Not counted in ClinVar's aggregate classification.
Comment: The PRKDC c.9170C>A variant is predicted to result in the amino acid substitution p.Ala3057Asp. To our knowledge, this variant has not been reported in the literature. This variant is reported in 0.062% of alleles in individuals of African descent in gnomAD. At this time, the clinical significance of this variant is uncertain due to the absence of conclusive functional and genetic evidence.